The following is an entry in ClinVar:

NM_000059.4(BRCA2):c.9212dup (p.Val3072fs)

Gene: BRCA2 (BRCA2 DNA repair associated; plus strand). Cytogenetic location: 13q13.1.
Variant type: Duplication.
Coding change: c.9212dup on transcript NM_000059.4 (MANE Select); coding-DNA position 9212, one base duplicated (A; older notation c.9212dupA).
Protein change: p.Val3072fs; shifts the reading frame from valine 3072.
Molecular consequence: frameshift variant.
Genome position (GRCh38, 1-based): chr13:32,380,101, A duplicated. VCF-style (leftmost placement, unchanged base first): chr13-32380100-G-GA. GRCh37 (hg19) VCF-style: chr13-32954237-G-GA.
Other names: c.9212dupA (NM_000059.3, NM_000059.4); short protein forms V3072fs.
Identifiers: ClinVar variation 481606 (VCV000481606.30), dbSNP rs1555288557, ClinGen allele CA658656438.

ClinVar aggregate classification (germline): Pathogenic. Review status: criteria provided, multiple submitters, no conflicts (2 of 4 stars). 4 submissions from 4 submitters: Pathogenic (3). 1 of the submissions does not count toward it. Last evaluated 2025-09-08.

Conditions:
Gastric cancer. Also called: Stomach cancer; Malignant tumor of stomach. Identifiers: MedGen C0024623, MeSH D013274, MONDO:0001056, OMIM 613659, HP:0012126.
Hereditary breast ovarian cancer syndrome. Also called: Hereditary breast and ovarian cancer; Hereditary breast and ovarian cancer syndrome (HBOC); Breast and ovarian cancer; BRCA1- and BRCA2-Associated Hereditary Breast and Ovarian Cancer; Hereditary breast and ovarian cancer syndrome; Hereditary breast and/or ovarian cancer syndrome. Identifiers: Orphanet 145, MedGen C0677776, MeSH D061325, MONDO:0003582. Disease mechanism: loss of function.
Hereditary cancer-predisposing syndrome. Also called: Tumor predisposition; Hereditary neoplastic syndrome; Hereditary Cancer Syndrome; Neoplastic Syndromes, Hereditary. Identifiers: Orphanet 140162, MedGen C0027672, MeSH D009386, MONDO:0015356.

Submissions (4):

Ambry Genetics
Classification: Pathogenic for Hereditary cancer-predisposing syndrome. Last evaluated: 2025-09-08. Review status: criteria provided, single submitter. Criteria: Ambry Variant Classification Scheme 2023. Collection method: clinical testing. Allele origin: germline.
Comment: The c.9212dupA pathogenic mutation, located in coding exon 23 of the BRCA2 gene, results from a duplication of A at nucleotide position 9212, causing a translational frameshift with a predicted alternate stop codon (p.V3072Gfs*39). This variant is considered to be rare based on population cohorts in the Genome Aggregation Database (gnomAD). This alteration is expected to result in loss of function by premature protein truncation or nonsense-mediated mRNA decay. As such, this alteration is interpreted as a disease-causing mutation.

Labcorp Genetics (formerly Invitae), Labcorp
Classification: Pathogenic for Hereditary breast ovarian cancer syndrome. Last evaluated: 2024-04-14. Review status: criteria provided, single submitter. Criteria: Invitae Variant Classification Sherloc (09022015). Collection method: clinical testing. Allele origin: germline.
Comment: This sequence change creates a premature translational stop signal (p.Val3072Glyfs*39) in the BRCA2 gene. It is expected to result in an absent or disrupted protein product. Loss-of-function variants in BRCA2 are known to be pathogenic (PMID: 20104584). This variant is not present in population databases (gnomAD no frequency). This variant has not been reported in the literature in individuals affected with BRCA2-related conditions. ClinVar contains an entry for this variant (Variation ID: 481606). For these reasons, this variant has been classified as Pathogenic.

Women's Health and Genetics/Laboratory Corporation of America, LabCorp
Classification: Pathogenic for Hereditary breast ovarian cancer syndrome. Last evaluated: 2024-02-26. Review status: criteria provided, single submitter. Criteria: LabCorp Variant Classification Summary - May 2015. Collection method: clinical testing. Allele origin: germline.
Comment: Variant summary: BRCA2 c.9212dupA (p.Val3072GlyfsX39) results in a premature termination codon, predicted to cause a truncation of the encoded protein or absence of the protein due to nonsense mediated decay, which are commonly known mechanisms for disease. The variant was absent in 251260 control chromosomes. c.9212dupA has been reported in the literature in individuals affected with prostate and pancreatic cancers (e.g. Yamamoto_2022). These data indicate that the variant may be associated with disease. To our knowledge, no experimental evidence demonstrating an impact on protein function has been reported. The following publication has been ascertained in the context of this evaluation (PMID: 35870019). ClinVar contains an entry for this variant (Variation ID: 481606). Based on the evidence outlined above, the variant was classified as pathogenic.

Laboratory for Genotyping Development, RIKEN
Classification: Pathogenic for Gastric cancer. Last evaluated: 2021-07-01. Review status: no assertion criteria provided. Collection method: research. Allele origin: germline. Not counted in ClinVar's aggregate classification.

Literature cited by the submitters: PubMed 20104584 (cited by Labcorp Genetics (formerly Invitae), Labcorp); PubMed 35870019 (cited by Women's Health and Genetics/Laboratory Corporation of America, LabCorp); PubMed 36988593 (cited by Laboratory for Genotyping Development, RIKEN).